The following is an entry in ClinVar:

NM_000402.4(G6PD):c.683G>C (p.Arg228Pro)

Gene: G6PD (glucose-6-phosphate dehydrogenase; minus strand). Cytogenetic location: Xq28.
Variant type: single nucleotide variant.
Coding change: c.683G>C on transcript NM_000402.4; coding-DNA position 683, G replaced by C.
Protein change: p.Arg228Pro; replaces arginine 228 with proline.
Molecular consequence: missense variant.
Genome position (GRCh38, 1-based): chrX:154,534,389, C>G on the plus strand (G>C on the coding strand, the complement: G6PD is on the minus strand). VCF-style: chrX-154534389-C-G. GRCh37 (hg19) VCF-style: chrX-153762604-C-G.
Other names: G6PD, ARG198PRO; G6PD Santiago; c.593G>C, p.Arg198Pro (NM_001042351.3, NM_001360016.2); short protein forms R198P, R228P.
Identifiers: ClinVar variation 10394 (VCV000010394.5), dbSNP rs137852332, ClinGen allele CA121002.

ClinVar aggregate classification (germline): Likely pathogenic. Review status: criteria provided, single submitter (1 of 4 stars). 3 submissions from 2 submitters: Likely pathogenic (1). 2 of the submissions do not count toward it. Last evaluated 2022-08-12.

Conditions:
Anemia, nonspherocytic hemolytic, due to G6PD deficiency (CNSHA1). Also called: ANEMIA, CONGENITAL, NONSPHEROCYTIC HEMOLYTIC, 1; Class I glucose-6-phosphate dehydrogenase deficiency; Favism, susceptibility to; Hemolytic anemia due to G6PD deficiency. Identifiers: Orphanet 466026, MedGen C2720289, MONDO:0010480, OMIM 300908.
G6PD SANTIAGO.

Submissions (3):

Dunham Lab, University of Washington
Classification: Likely pathogenic for Anemia, nonspherocytic hemolytic, due to G6PD deficiency. Last evaluated: 2022-08-12. Review status: criteria provided, single submitter. Criteria: Bayesian ACMG Guidelines, 2018. Collection method: curation. Allele origin: unknown. Affected: yes.
Comment: Undetectable activity in red blood cells of hemizygote and when expressed in S. cerevisiae (PS3). Not observed in gnomAD (PM2). Alters substrate binding site (PM1). Post_P 0.988 (odds of pathogenicity 729.3, Prior_P 0.1).

OMIM
Classification: other for G6PD SANTIAGO. Last evaluated: 2024-10-11. Review status: no assertion criteria provided. Collection method: literature only. Allele origin: germline. Not counted in ClinVar's aggregate classification.

OMIM
Classification: Pathogenic for ANEMIA, CONGENITAL, NONSPHEROCYTIC HEMOLYTIC, 1. Last evaluated: 2024-10-11. Review status: no assertion criteria provided. Collection method: literature only. Allele origin: germline. Not counted in ClinVar's aggregate classification.

Literature cited by the submitters: PubMed 1611091 (cited by Dunham Lab, University of Washington); PubMed 16193512 (cited by Dunham Lab, University of Washington); PubMed 31294066 (cited by Dunham Lab, University of Washington); PubMed 6344088 (cited by OMIM).